The following is an entry in ClinVar:

NM_001005242.3(PKP2):c.2212G>A (p.Val738Ile)

Gene: PKP2 (plakophilin 2; minus strand). Cytogenetic location: 12p11.21.
Variant type: single nucleotide variant.
Coding change: c.2212G>A on transcript NM_001005242.3 (MANE Select); coding-DNA position 2212, G replaced by A.
Protein change: p.Val738Ile; replaces valine 738 with isoleucine.
Molecular consequence: missense variant. On other transcripts: intron variant (2).
Genome position (GRCh38, 1-based): chr12:32,796,254, C>T on the plus strand (G>A on the coding strand, the complement: PKP2 is on the minus strand). VCF-style: chr12-32796254-C-T. GRCh37 (hg19) VCF-style: chr12-32949188-C-T.
Other names: c.2344G>A, p.Val782Ile (NM_004572.4); c.2168-3523G>A (NM_001407155.1); c.1841-3523G>A (NM_001407160.1); c.2047G>A, p.Val683Ile (NM_001407156.1); c.1885G>A, p.Val629Ile (NM_001407158.1, NM_001407159.1); short protein forms V782I, V629I, V683I, V738I.
Identifiers: ClinVar variation 3673566 (VCV003673566.2).

ClinVar aggregate classification (germline): Uncertain significance (1 of 4 stars; one submission).

Conditions:
Arrhythmogenic right ventricular dysplasia 9 (ARVD9). Also called: Arrhythmogenic Right Ventricular Dysplasia/Cardiomyopathy 9; ARRHYTHMOGENIC RIGHT VENTRICULAR DYSPLASIA, FAMILIAL, 9. Identifiers: MedGen C1836906, MONDO:0012180, OMIM 609040.

Submission:

Labcorp Genetics (formerly Invitae), Labcorp
Classification: Uncertain significance for Arrhythmogenic right ventricular dysplasia 9. Last evaluated: 2024-07-11. Review status: criteria provided, single submitter. Criteria: Invitae Variant Classification Sherloc (09022015). Collection method: clinical testing. Allele origin: germline.
Comment: This sequence change replaces valine, which is neutral and non-polar, with isoleucine, which is neutral and non-polar, at codon 782 of the PKP2 protein (p.Val782Ile). This variant is not present in population databases (gnomAD no frequency). This variant has not been reported in the literature in individuals affected with PKP2-related conditions. An algorithm developed to predict the effect of missense changes on protein structure and function (PolyPhen-2) suggests that this variant is likely to be tolerated. In summary, the available evidence is currently insufficient to determine the role of this variant in disease. Therefore, it has been classified as a Variant of Uncertain Significance.